The following is an entry in ClinVar:

ClinVar aggregate classification (germline): Likely pathogenic. Review status: criteria provided, multiple submitters, no conflicts (2 of 4 stars). 2 submissions from 2 submitters: Likely pathogenic (2). Last evaluated 2026-02-26.

Conditions:
SMAD3-related disorder. Also called: SMAD3-related condition.
Aneurysm-osteoarthritis syndrome. Also called: ANEURYSMS-OSTEOARTHRITIS SYNDROME; LOEYS-DIETZ SYNDROME WITH OSTEOARTHRITIS; SMAD3-Related Loeys-Dietz Syndrome; Loeys-Dietz syndrome, type 1C. Identifiers: Orphanet 284984, MedGen C3151087, MONDO:0013426, OMIM 613795.

Submissions (2):

Clinical Genetic Center, Kansai Medical University
Classification: Likely pathogenic for Aneurysm-osteoarthritis syndrome. Last evaluated: 2026-02-26. Review status: criteria provided, single submitter. Criteria: ACMG Guidelines, 2015. Collection method: clinical testing. Allele origin: germline. Inheritance: Autosomal dominant inheritance. Affected: yes. Observed: 2 variant alleles.
Comment: • PS4 (Mod): Reported in Schepers et al. (2018). • PM1 (Mod): Critical MH1 DNA-binding domain. • PM2, PP3, PP4.

Blueprint Genetics
Classification: Likely pathogenic for SMAD3-related disorders. Last evaluated: 2023-11-16. Review status: criteria provided, single submitter. Criteria: ACMG Guidelines, 2015. Collection method: clinical testing. Allele origin: germline. Affected: yes. Observed: 1 variant allele.

NM_005902.4(SMAD3):c.374A>G (p.Tyr125Cys)

Gene: SMAD3 (SMAD family member 3; plus strand). Cytogenetic location: 15q22.33.
Variant type: single nucleotide variant.
Coding change: c.374A>G on transcript NM_005902.4 (MANE Select); coding-DNA position 374, A replaced by G.
Protein change: p.Tyr125Cys; replaces tyrosine 125 with cysteine.
Molecular consequence: missense variant.
Genome position (GRCh38, 1-based): chr15:67,165,062, A>G. VCF-style: chr15-67165062-A-G. GRCh37 (hg19) VCF-style: chr15-67457400-A-G.
Other names: c.59A>G, p.Tyr20Cys (NM_001145102.2, NM_001407015.1, NM_001407016.1); c.242A>G, p.Tyr81Cys (NM_001145103.2); c.374A>G, p.Tyr125Cys (NM_001407011.1, NM_001407012.1, NM_001407013.1); c.227A>G, p.Tyr76Cys (NM_001407014.1); short protein forms Y125C, Y20C, Y76C, Y81C.
Identifiers: ClinVar variation 4813328 (VCV004813328.2).